The following is an entry in ClinVar:

ClinVar aggregate classification (germline): Uncertain significance (1 of 4 stars; one submission).

Conditions:
Autosomal dominant nocturnal frontal lobe epilepsy 5. Also called: Epilepsy, nocturnal frontal lobe, 5; CILIARY DYSKINESIA, PRIMARY, 28, WITHOUT SITUS INVERSUS; CILIARY DYSKINESIA, PRIMARY, 28, WITH SITUS INVERSUS; KCNT1-Related Epilepsy. Identifiers: Orphanet 98784, MedGen C3554306, MONDO:0014002, OMIM 615005.
Developmental and epileptic encephalopathy, 14 (DEE14). Also called: Early infantile epileptic encephalopathy 14. Identifiers: Orphanet 293181, MedGen C3554195, MONDO:0013989, OMIM 614959.

Allele frequency attached by ClinVar (database versions not stated): ExAC 0.00002.
gnomAD v4.1: 12 of 1,605,962 alleles (0.00075%); highest among the groups gnomAD compares: Middle Eastern, 0.017%; no homozygotes.

Submission:

Labcorp Genetics (formerly Invitae), Labcorp
Classification: Uncertain significance for Autosomal dominant nocturnal frontal lobe epilepsy 5; Developmental and epileptic encephalopathy, 14. Last evaluated: 2023-03-18. Review status: criteria provided, single submitter. Criteria: Invitae Variant Classification Sherloc (09022015). Collection method: clinical testing. Allele origin: germline.
Comment: In summary, the available evidence is currently insufficient to determine the role of this variant in disease. Therefore, it has been classified as a Variant of Uncertain Significance. Variants that disrupt the consensus splice site are a relatively common cause of aberrant splicing (PMID: 17576681, 9536098). Algorithms developed to predict the effect of sequence changes on RNA splicing suggest that this variant is not likely to affect RNA splicing. This variant has not been reported in the literature in individuals affected with KCNT1-related conditions. The frequency data for this variant in the population databases is considered unreliable, as metrics indicate poor data quality at this position in the gnomAD database. This sequence change falls in intron 18 of the KCNT1 gene. It does not directly change the encoded amino acid sequence of the KCNT1 protein. It affects a nucleotide within the consensus splice site.

Literature cited by the submitters: PubMed 17576681; PubMed 9536098.

NM_020822.3(KCNT1):c.2008+6C>A

Gene: KCNT1 (potassium sodium-activated channel subfamily T member 1; plus strand). Cytogenetic location: 9q34.3.
Variant type: single nucleotide variant.
Coding change: c.2008+6C>A on transcript NM_020822.3 (MANE Select); 6 bases into the intron after coding-DNA position 2008, C replaced by A.
Molecular consequence: intron variant.
Genome position (GRCh38, 1-based): chr9:135,771,101, C>A. VCF-style: chr9-135771101-C-A. GRCh37 (hg19) VCF-style: chr9-138662947-C-A.
Other names: c.1873+6C>A (NM_001272003.2).
Identifiers: ClinVar variation 2932556 (VCV002932556.3), dbSNP rs766281657, ClinGen allele CA5327143.